The following is an entry in ClinVar:

ClinVar aggregate classification (germline): Likely benign (1 of 4 stars; one submission).

gnomAD v4.1: 1 of 1,613,762 alleles (0.000062%); highest among the groups gnomAD compares: Non-Finnish European, 0.000085%; no homozygotes.

Submission:

CeGaT Center for Human Genetics Tuebingen
Classification: Likely benign. Last evaluated: 2026-07-01. Review status: criteria provided, single submitter. Criteria: CeGaT Center For Human Genetics Tuebingen Variant Classification Criteria Version 2. Collection method: clinical testing. Allele origin: germline. Affected: yes. Observed: 1 variant allele.
Comment: HYDIN: BP4

NM_001270974.2(HYDIN):c.3034A>G (p.Thr1012Ala)

Gene: HYDIN (HYDIN axonemal central pair apparatus protein; minus strand). Cytogenetic location: 16q22.2.
Variant type: single nucleotide variant.
Coding change: c.3034A>G on transcript NM_001270974.2 (MANE Select); coding-DNA position 3034, A replaced by G.
Protein change: p.Thr1012Ala; replaces threonine 1012 with alanine.
Molecular consequence: missense variant.
Genome position (GRCh38, 1-based): chr16:71,027,610, T>C on the plus strand (A>G on the coding strand, the complement: HYDIN is on the minus strand). VCF-style: chr16-71027610-T-C. GRCh37 (hg19) VCF-style: chr16-71061513-T-C.
Other names: c.3034A>G, p.Thr1012Ala (NM_017558.5); short protein forms T1012A.
Identifiers: ClinVar variation 5038551 (VCV005038551.1).